The following is an entry in ClinVar:

ClinVar aggregate classification (germline): Uncertain significance (1 of 4 stars; one submission).

Conditions:
Hereditary cancer-predisposing syndrome. Also called: Tumor predisposition; Hereditary neoplastic syndrome; Neoplastic Syndromes, Hereditary; Hereditary Cancer Syndrome. Identifiers: Orphanet 140162, MedGen C0027672, MeSH D009386, MONDO:0015356.

Submission:

Ambry Genetics
Classification: Uncertain significance for Hereditary cancer-predisposing syndrome. Last evaluated: 2025-06-10. Review status: criteria provided, single submitter. Criteria: Ambry Variant Classification Scheme 2023. Collection method: clinical testing. Allele origin: germline.
Comment: The p.I77K variant (also known as c.230T>A), located in coding exon 2 of the BMPR1A gene, results from a T to A substitution at nucleotide position 230. The amino acid change results in isoleucine to lysine at codon 77, an amino acid with dissimilar properties. This amino acid position is well conserved in available vertebrate species. In addition, the in silico prediction for this alteration is inconclusive. Based on the available evidence, the clinical significance of this variant remains unclear.

NM_004329.3(BMPR1A):c.230T>A (p.Ile77Lys)

Gene: BMPR1A (bone morphogenetic protein receptor type 1A; plus strand). Cytogenetic location: 10q23.2.
Variant type: single nucleotide variant.
Coding change: c.230T>A on transcript NM_004329.3 (MANE Select); coding-DNA position 230, T replaced by A.
Protein change: p.Ile77Lys; replaces isoleucine 77 with lysine.
Molecular consequence: missense variant. On other transcripts: non-coding transcript variant (3).
Genome position (GRCh38, 1-based): chr10:86,890,224, T>A. VCF-style: chr10-86890224-T-A. GRCh37 (hg19) VCF-style: chr10-88649981-T-A.
Other names: c.230T>A, p.Ile77Lys (NM_001406559.1, NM_001406560.1, NM_001406561.1 and 23 more transcripts); c.146T>A, p.Ile49Lys (NM_001406584.1, NM_001406585.1, NM_001406586.1 and 2 more transcripts); short protein forms I77K, I49K.
Identifiers: ClinVar variation 3992033 (VCV003992033.1).